The following is an entry in ClinVar:

NM_004393.6(DAG1):c.559C>T (p.Pro187Ser)

Gene: DAG1 (dystroglycan 1; plus strand). Cytogenetic location: 3p21.31.
Variant type: single nucleotide variant.
Coding change: c.559C>T on transcript NM_004393.6 (MANE Select); coding-DNA position 559, C replaced by T.
Protein change: p.Pro187Ser; replaces proline 187 with serine.
Molecular consequence: missense variant.
Genome position (GRCh38, 1-based): chr3:49,531,070, C>T. VCF-style: chr3-49531070-C-T. GRCh37 (hg19) VCF-style: chr3-49568503-C-T.
Other names: c.559C>T, p.Pro187Ser (NM_001165928.4, NM_001177634.3, NM_001177635.3 and 9 more transcripts); short protein forms P187S.
Identifiers: ClinVar variation 546526 (VCV000546526.3), dbSNP rs145540662, ClinGen allele CA2398930.

ClinVar aggregate classification (germline): Uncertain significance (1 of 4 stars; one submission).

Allele frequency attached by ClinVar (database versions not stated): TOPMed 0.00001; ESP Exome Variant Server 0.00008; gnomAD exomes 0.00004; ExAC 0.00005.
gnomAD v4.1: 41 of 1,614,148 alleles (0.0025%); highest among the groups gnomAD compares: Admixed American, 0.0083%; no homozygotes.

Submission:

GeneDx
Classification: Uncertain significance. Last evaluated: 2018-05-30. Review status: criteria provided, single submitter. Criteria: GeneDx Variant Classification (06012015). Collection method: clinical testing. Allele origin: germline. Affected: yes.
Comment: A variant of uncertain significance has been identified in the DAG1 gene. The P187S variant has not been published as a pathogenic variant, nor has it been reported as a benign variant to our knowledge. The P187S variant is observed in 5/33582 (0.01%) alleles from individuals of Latino background in large population cohorts (Lek et al., 2016). The P187S variant is a non-conservative amino acid substitution, which is likely to impact secondary protein structure as these residues differ in polarity, charge, size and/or other properties. However, in-silico analyses, including protein predictors and evolutionary conservation, support that this variant does not alter protein structure/function. Therefore, based on the currently available information, it is unclear whether this variant is a pathogenic variant or a rare benign variant.